The following is an entry in ClinVar:

ClinVar aggregate classification (germline): Uncertain significance (1 of 4 stars; one submission).

Conditions:
Cranioectodermal dysplasia 1 (CED1). Also called: LEVIN SYNDROME I. Identifiers: Orphanet 1515, MedGen C0432235, MONDO:0021093, OMIM 218330.

Submission:

Labcorp Genetics (formerly Invitae), Labcorp
Classification: Uncertain significance for Cranioectodermal dysplasia 1. Last evaluated: 2025-06-25. Review status: criteria provided, single submitter. Criteria: Invitae Variant Classification Sherloc (09022015). Collection method: clinical testing. Allele origin: germline.
Comment: This sequence change replaces alanine, which is neutral and non-polar, with phenylalanine, which is neutral and non-polar, at codon 494 of the IFT122 protein (p.Ala494Phe). Information on the frequency of this variant in the gnomAD database is not available, as this variant may be reported differently in the database. This variant has not been reported in the literature in individuals affected with IFT122-related conditions. An algorithm developed to predict the effect of missense changes on protein structure and function (PolyPhen-2) suggests that this variant is likely to be disruptive. In summary, the available evidence is currently insufficient to determine the role of this variant in disease. Therefore, it has been classified as a Variant of Uncertain Significance.

NM_052989.3(IFT122):c.1327_1328delinsTT (p.Ala443Phe)

Gene: IFT122 (intraflagellar transport 122; plus strand). Cytogenetic location: 3q21.3.
Variant type: Indel.
Coding change: c.1327_1328delinsTT on transcript NM_052989.3 (MANE Select); coding-DNA positions 1327 to 1328, GC replaced by TT.
Protein change: p.Ala443Phe; replaces alanine 443 with phenylalanine.
Molecular consequence: missense variant.
Genome position (GRCh38, 1-based): chr3:129,478,195-129,478,196, GC replaced by TT. VCF-style: chr3-129478195-GC-TT. GRCh37 (hg19) VCF-style: chr3-129197038-GC-TT.
Other names: c.1303_1304delinsTT, p.Ala435Phe (NM_001280541.2); c.877_878delinsTT, p.Ala293Phe (NM_001280545.2); c.700_701delinsTT, p.Ala234Phe (NM_001280546.2); c.1327_1328delinsTT, p.Ala443Phe (NM_001410808.1, NM_001410809.1); c.1150_1151delinsTT, p.Ala384Phe (NM_001410810.1, NM_001410811.1, NM_001410813.1 and 1 more transcripts); c.994_995delinsTT, p.Ala332Phe (NM_001410815.1, NM_001410817.1, NM_001438041.1 and 1 more transcripts); c.1171_1172delinsTT, p.Ala391Phe (NM_001438637.1, NM_001438638.1, NM_001438639.1 and 1 more transcripts); c.1480_1481delinsTT, p.Ala494Phe (NM_052985.4); short protein forms A391F, A332F, A435F, A234F, A293F, A384F, A443F, A494F.
Identifiers: ClinVar variation 4721596 (VCV004721596.1).